The following is an entry in ClinVar:

NM_000520.6(HEXA):c.1360G>A (p.Gly454Ser)

Gene: HEXA (hexosaminidase subunit alpha; minus strand). Cytogenetic location: 15q23.
Variant type: single nucleotide variant.
Coding change: c.1360G>A on transcript NM_000520.6 (MANE Select); coding-DNA position 1360, G replaced by A.
Protein change: p.Gly454Ser; replaces glycine 454 with serine.
Molecular consequence: missense variant. On other transcripts: non-coding transcript variant (1).
Genome position (GRCh38, 1-based): chr15:72,346,296, C>T on the plus strand (G>A on the coding strand, the complement: HEXA is on the minus strand). VCF-style: chr15-72346296-C-T. GRCh37 (hg19) VCF-style: chr15-72638637-C-T.
Other names: c.1393G>A, p.Gly465Ser (NM_001318825.2); short protein forms G454S, G465S.
Identifiers: ClinVar variation 3934 (VCV000003934.177), dbSNP rs121907978, ClinGen allele CA252932.
Genomic context (GRCh38, chr15:72,346,296, plus strand): 5'-AGAGCCTGGGGACCAGGTTTGTGTTGTCCACATATTCTCCCCACATACAAGCCTCTCCAC[C>T]AATCACCAGAGCCTTCTGCTCAGGGGTACCTGAGGGAAAACAAGCAACAACAGTCTGGTG-3'
Protein context (NP_000511.2, residues 444-464): GTPEQKALVI[Gly454Ser]GEACMWGEYV

ClinVar aggregate classification (germline): Likely pathogenic. Review status: criteria provided, single submitter (1 of 4 stars). 2 submissions from 2 submitters: Likely pathogenic (1). 1 of the submissions does not count toward it. Last evaluated 2021-09-28.

Conditions:
Tay-Sachs disease (TSD). Also called: HEXA DEFICIENCY; Hexosaminidase A Deficiency; HEXA Disorders; GM2 gangliosidosis, type 1; Hexosaminidase alpha-subunit deficiency (variant B); Sphingolipidosis, Tay-Sachs. Identifiers: Orphanet 845, MedGen C0039373, MONDO:0010100, OMIM 272800.

Submissions (2):

Labcorp Genetics (formerly Invitae), Labcorp
Classification: Likely pathogenic for Tay-Sachs disease. Last evaluated: 2021-09-28. Review status: criteria provided, single submitter. Criteria: Invitae Variant Classification Sherloc (09022015). Collection method: clinical testing. Allele origin: germline.
Comment: In summary, the currently available evidence indicates that the variant is pathogenic, but additional data are needed to prove that conclusively. Therefore, this variant has been classified as Likely Pathogenic. This variant disrupts the p.Gly454 amino acid residue in HEXA. Other variant(s) that disrupt this residue have been observed in individuals with HEXA-related conditions (PMID: 9851891, 31388111), which suggests that this may be a clinically significant amino acid residue. Algorithms developed to predict the effect of missense changes on protein structure and function are either unavailable or do not agree on the potential impact of this missense change (SIFT: "Deleterious"; PolyPhen-2: "Probably Damaging"; Align-GVGD: "Class C0"). This missense change has been observed in individual(s) with Tay-Sachs disease (PMID: 16088929). This variant is not present in population databases (ExAC no frequency). This sequence change replaces glycine with serine at codon 454 of the HEXA protein (p.Gly454Ser). The glycine residue is highly conserved and there is a small physicochemical difference between glycine and serine.

OMIM
Classification: Pathogenic for TAY-SACHS DISEASE. Last evaluated: 2025-09-19. Review status: no assertion criteria provided. Collection method: literature only. Allele origin: germline. Not counted in ClinVar's aggregate classification.

Literature cited by the submitters: PubMed 9851891 (cited by Labcorp Genetics (formerly Invitae), Labcorp); PubMed 31388111 (cited by Labcorp Genetics (formerly Invitae), Labcorp); PubMed 16088929 (cited by Labcorp Genetics (formerly Invitae), Labcorp).